The following is an entry in ClinVar:

NM_058172.6(ANTXR2):c.637-11_637-10dup

Gene: ANTXR2 (ANTXR cell adhesion molecule 2; minus strand). Cytogenetic location: 4q21.21.
Variant type: Duplication.
Coding change: c.637-11_637-10dup on transcript NM_058172.6 (MANE Select); 11 bases into the intron before coding-DNA position 637 through 10 bases into the intron before coding-DNA position 637, 2 bases duplicated (TT; older notation c.637-11_637-10dupTT).
Molecular consequence: intron variant.
Genome position (GRCh38, 1-based): chr4:80,036,042-80,036,043, AA duplicated on the plus strand (TT on the coding strand, the reverse complement: ANTXR2 is on the minus strand); duplicating any 2 consecutive bases within chr4:80,036,042-80,036,053 gives the same sequence; the c. name uses the placement nearest the transcript's 3' end. VCF-style (leftmost placement, unchanged base first): chr4-80036041-G-GAA. GRCh37 (hg19) VCF-style: chr4-80957195-G-GAA.
Other names: c.406-11_406-10dup (NM_001286780.2, NM_001286781.2); c.637-11_637-10dup (NM_001145794.2).
Identifiers: ClinVar variation 3035531 (VCV003035531.2), dbSNP rs373672335, ClinGen allele CA552736316.

ClinVar aggregate classification (germline): Likely benign (0 of 4 stars; one submission).

Conditions:
ANTXR2-related disorder. Also called: ANTXR2-related condition.

Submission:

PreventionGenetics, part of Exact Sciences
Classification: Likely benign for ANTXR2-related condition. Last evaluated: 2019-08-09. Review status: no assertion criteria provided. Collection method: clinical testing. Allele origin: germline.
Comment: This variant is classified as likely benign based on ACMG/AMP sequence variant interpretation guidelines (Richards et al. 2015 PMID: 25741868, with internal and published modifications).